The following is an entry in ClinVar:

ClinVar aggregate classification (germline): Uncertain significance. Review status: criteria provided, multiple submitters, no conflicts (2 of 4 stars). 3 submissions from 3 submitters: Uncertain significance (3). Last evaluated 2025-01-03.

Conditions:
Tumor predisposition syndrome 3 (TPDS3). Also called: Glioma susceptibility 9; LONG TELOMERE SYNDROME, POT1-RELATED; POT1 Tumor Predisposition; Melanoma, cutaneous malignant, susceptibility to, 10. Identifiers: Orphanet 618, MedGen C4014476, MONDO:0014368, OMIM 615848.
Hereditary cancer-predisposing syndrome. Also called: Hereditary neoplastic syndrome; Hereditary Cancer Syndrome; Tumor predisposition; Neoplastic Syndromes, Hereditary. Identifiers: Orphanet 140162, MedGen C0027672, MeSH D009386, MONDO:0015356.

Allele frequency attached by ClinVar (database versions not stated): gnomAD exomes below 0.00001.
gnomAD v4.1: 1 of 1,531,826 alleles (0.000065%); highest among the groups gnomAD compares: Non-Finnish European, 0.000087%; no homozygotes.

Submissions (3):

Ambry Genetics
Classification: Uncertain significance for Hereditary cancer-predisposing syndrome. Last evaluated: 2025-01-03. Review status: criteria provided, single submitter. Criteria: Ambry Variant Classification Scheme 2023. Collection method: clinical testing. Allele origin: germline.
Comment: The p.G19D variant (also known as c.56G>A), located in coding exon 2 of the POT1 gene, results from a G to A substitution at nucleotide position 56. The glycine at codon 19 is replaced by aspartic acid, an amino acid with similar properties. This amino acid position is not well conserved in available vertebrate species. In addition, this alteration is predicted to be tolerated by in silico analysis. Based on the available evidence, the clinical significance of this variant remains unclear.

GeneDx
Classification: Uncertain significance. Last evaluated: 2022-04-11. Review status: criteria provided, single submitter. Criteria: GeneDx Variant Classification Process June 2021. Collection method: clinical testing. Allele origin: germline. Affected: yes.
Comment: Not observed at significant frequency in large population cohorts (gnomAD); In silico analysis supports that this missense variant does not alter protein structure/function; Has not been previously published as pathogenic or benign to our knowledge; This variant is associated with the following publications: (PMID: 28393830)

Labcorp Genetics (formerly Invitae), Labcorp
Classification: Uncertain significance for Tumor predisposition syndrome 3. Last evaluated: 2022-02-25. Review status: criteria provided, single submitter. Criteria: Invitae Variant Classification Sherloc (09022015). Collection method: clinical testing. Allele origin: germline.
Comment: This sequence change replaces glycine, which is neutral and non-polar, with aspartic acid, which is acidic and polar, at codon 19 of the POT1 protein (p.Gly19Asp). This variant is not present in population databases (gnomAD no frequency). This variant has not been reported in the literature in individuals affected with POT1-related conditions. Algorithms developed to predict the effect of missense changes on protein structure and function output the following: SIFT: "Tolerated"; PolyPhen-2: "Benign"; Align-GVGD: "Class C0". The aspartic acid amino acid residue is found in multiple mammalian species, which suggests that this missense change does not adversely affect protein function. In summary, the available evidence is currently insufficient to determine the role of this variant in disease. Therefore, it has been classified as a Variant of Uncertain Significance.

NM_015450.3(POT1):c.56G>A (p.Gly19Asp)

Gene: POT1 (protection of telomeres 1; minus strand). Cytogenetic location: 7q31.33.
Variant type: single nucleotide variant.
Coding change: c.56G>A on transcript NM_015450.3 (MANE Select); coding-DNA position 56, G replaced by A.
Protein change: p.Gly19Asp; replaces glycine 19 with aspartic acid.
Molecular consequence: missense variant. On other transcripts: 5 prime UTR variant (1), non-coding transcript variant (3).
Genome position (GRCh38, 1-based): chr7:124,892,334, C>T on the plus strand (G>A on the coding strand, the complement: POT1 is on the minus strand). VCF-style: chr7-124892334-C-T. GRCh37 (hg19) VCF-style: chr7-124532388-C-T.
Other names: c.-207G>A (NM_001042594.2); short protein forms G19D.
Identifiers: ClinVar variation 1710767 (VCV001710767.10), dbSNP rs1334143931, ClinGen allele CA369066163.